The following is an entry in ClinVar:

ClinVar aggregate classification (germline): Uncertain significance (1 of 4 stars; one submission).

Conditions:
Inborn genetic diseases. Identifiers: MedGen C0950123, MeSH D030342.

gnomAD v4.1: 1 of 1,612,068 alleles (0.000062%); highest among the groups gnomAD compares: Non-Finnish European, 0.000085%; no homozygotes.

Submission:

Ambry Genetics
Classification: Uncertain significance for Inborn genetic diseases. Last evaluated: 2026-06-26. Review status: criteria provided, single submitter. Criteria: Ambry Variant Classification Scheme 2023. Collection method: clinical testing. Allele origin: germline.
Comment: The c.722T>G (p.I241S) alteration is located in exon 1 (coding exon 5) of the CLCN3 gene. This alteration results from a T to G substitution at nucleotide position 722, causing the isoleucine (I) at amino acid position 241 to be replaced by a serine (S). This variant was not reported in population-based cohorts in the Genome Aggregation Database (gnomAD). This amino acid position is highly conserved in available vertebrate species. This missense variant is located in a region that has a low rate of benign missense variation (Lek, 2016; Firth, 2009). This alteration is predicted to be deleterious by in silico analysis. Based on insufficient or conflicting evidence, the clinical significance of this alteration remains unclear.

NM_001829.4(CLCN3):c.722T>G (p.Ile241Ser)

Gene: CLCN3 (Cl-/H+ antiporter 3; plus strand). Cytogenetic location: 4q33.
Variant type: single nucleotide variant.
Coding change: c.722T>G on transcript NM_001829.4 (MANE Select); coding-DNA position 722, T replaced by G.
Protein change: p.Ile241Ser; replaces isoleucine 241 with serine.
Molecular consequence: missense variant.
Genome position (GRCh38, 1-based): chr4:169,690,645, T>G. VCF-style: chr4-169690645-T-G. GRCh37 (hg19) VCF-style: chr4-170611796-T-G.
Other names: c.722T>G, p.Ile241Ser (NM_001243372.2, NM_173872.4); c.641T>G, p.Ile214Ser (NM_001243374.2); short protein forms I214S, I241S.
Identifiers: ClinVar variation 5034622 (VCV005034622.1).
Genomic context (GRCh38, chr4:169,690,645, plus strand): 5'-TTGCCTTTCTTGCAGTTTCCCTGGTAAAGGTATTTGCTCCATATGCCTGTGGCTCTGGAA[T>G]TCCAGAGGTAAGCCAAGTAATATTTAGTGTCATTAAACATTATTATGATGCTTATCTTTT-3'
Protein context (NP_001820.2, residues 231-251): VFAPYACGSG[Ile241Ser]PEIKTILSGF